The following is an entry in ClinVar:

NM_001329943.3(KIAA0586):c.2839A>G (p.Ile947Val)

Gene: KIAA0586 (KIAA0586; plus strand). Cytogenetic location: 14q23.1.
Variant type: single nucleotide variant.
Coding change: c.2839A>G on transcript NM_001329943.3 (MANE Select); coding-DNA position 2839, A replaced by G.
Protein change: p.Ile947Val; replaces isoleucine 947 with valine.
Molecular consequence: missense variant.
Genome position (GRCh38, 1-based): chr14:58,477,136, A>G. VCF-style: chr14-58477136-A-G. GRCh37 (hg19) VCF-style: chr14-58943854-A-G.
Other names: c.2998A>G, p.Ile1000Val (NM_001244189.2); c.2584A>G, p.Ile862Val (NM_001364701.2, NM_001244191.2, NM_001329945.2 and 1 more transcripts); c.2611A>G, p.Ile871Val (NM_014749.5); c.2794A>G, p.Ile932Val (NM_001244190.2); c.2707A>G, p.Ile903Val (NM_001244192.2); c.2419A>G, p.Ile807Val (NM_001244193.2); c.2839A>G, p.Ile947Val (NM_001329944.2, NM_001329946.2, NM_001329947.2); short protein forms I1000V, I807V, I862V, I871V, I903V, I932V, I947V.
Identifiers: ClinVar variation 1714835 (VCV001714835.5), dbSNP rs2543416918, ClinGen allele CA389878742.

ClinVar aggregate classification (germline): Uncertain significance (1 of 4 stars; one submission).

Conditions:
Short-rib thoracic dysplasia 14 with polydactyly (SRTD14). Identifiers: Orphanet 397715, MedGen C4225286, MONDO:0014688, OMIM 616546.
Joubert syndrome 23 (JBTS23). Identifiers: Orphanet 475, MedGen C4084822, MONDO:0014664, OMIM 616490.

Submission:

Labcorp Genetics (formerly Invitae), Labcorp
Classification: Uncertain significance for Joubert syndrome 23; Short-rib thoracic dysplasia 14 with polydactyly. Last evaluated: 2024-11-04. Review status: criteria provided, single submitter. Criteria: Invitae Variant Classification Sherloc (09022015). Collection method: clinical testing. Allele origin: germline.
Comment: This sequence change replaces isoleucine, which is neutral and non-polar, with valine, which is neutral and non-polar, at codon 1000 of the KIAA0586 protein (p.Ile1000Val). This variant is not present in population databases (gnomAD no frequency). This variant has not been reported in the literature in individuals affected with KIAA0586-related conditions. ClinVar contains an entry for this variant (Variation ID: 1714835). Invitae Evidence Modeling of protein sequence and biophysical properties (such as structural, functional, and spatial information, amino acid conservation, physicochemical variation, residue mobility, and thermodynamic stability) indicates that this missense variant is not expected to disrupt KIAA0586 protein function with a negative predictive value of 80%. In summary, the available evidence is currently insufficient to determine the role of this variant in disease. Therefore, it has been classified as a Variant of Uncertain Significance.